The following is an entry in ClinVar:

ClinVar aggregate classification (germline): Uncertain significance (1 of 4 stars; one submission).

Submission:

GeneDx
Classification: Uncertain significance. Last evaluated: 2024-12-08. Review status: criteria provided, single submitter. Criteria: GeneDx Variant Classification Process June 2021. Collection method: clinical testing. Allele origin: germline. Affected: yes.
Comment: Not observed at significant frequency in large population cohorts (gnomAD); In silico analysis indicates that this missense variant does not alter protein structure/function; Has not been previously published as pathogenic or benign to our knowledge

NM_001008537.3(NEXMIF):c.2975G>C (p.Ser992Thr)

Gene: NEXMIF (neurite extension and migration factor; minus strand). Cytogenetic location: Xq13.3.
Variant type: single nucleotide variant.
Coding change: c.2975G>C on transcript NM_001008537.3 (MANE Select); coding-DNA position 2975, G replaced by C.
Protein change: p.Ser992Thr; replaces serine 992 with threonine.
Molecular consequence: missense variant.
Genome position (GRCh38, 1-based): chrX:74,741,582, C>G on the plus strand (G>C on the coding strand, the complement: NEXMIF is on the minus strand). VCF-style: chrX-74741582-C-G. GRCh37 (hg19) VCF-style: chrX-73961417-C-G.
Other names: short protein forms S992T.
Identifiers: ClinVar variation 3903373 (VCV003903373.1).